The following is an entry in ClinVar:

ClinVar aggregate classification (germline): Uncertain significance. Review status: criteria provided, multiple submitters, no conflicts (2 of 4 stars). 2 submissions from 2 submitters: Uncertain significance (2). Last evaluated 2025-08-09.

Conditions:
Inborn genetic diseases. Identifiers: MedGen C0950123, MeSH D030342.

Allele frequency attached by ClinVar (database versions not stated): gnomAD 0.00001; TOPMed 0.00001.
gnomAD v4.1: 8 of 1,613,338 alleles (0.0005%); highest among the groups gnomAD compares: Non-Finnish European, 0.00068%; no homozygotes.

Submissions (2):

Ambry Genetics
Classification: Uncertain significance for Inborn genetic diseases. Last evaluated: 2025-08-09. Review status: criteria provided, single submitter. Criteria: Ambry Variant Classification Scheme 2023. Collection method: clinical testing. Allele origin: germline.

Labcorp Genetics (formerly Invitae), Labcorp
Classification: Uncertain significance. Last evaluated: 2021-10-20. Review status: criteria provided, single submitter. Criteria: Invitae Variant Classification Sherloc (09022015). Collection method: clinical testing. Allele origin: germline.
Comment: This sequence change replaces alanine with valine at codon 176 of the PCDH15 protein (p.Ala176Val). The alanine residue is highly conserved and there is a small physicochemical difference between alanine and valine. This variant is not present in population databases (ExAC no frequency). This variant has not been reported in the literature in individuals with PCDH15-related conditions. Algorithms developed to predict the effect of missense changes on protein structure and function are either unavailable or do not agree on the potential impact of this missense change (SIFT: "Deleterious"; PolyPhen-2: "Probably Damaging"; Align-GVGD: "Class C0"). In summary, the available evidence is currently insufficient to determine the role of this variant in disease. Therefore, it has been classified as a Variant of Uncertain Significance.

NM_001384140.1(PCDH15):c.527C>T (p.Ala176Val)

Gene: PCDH15 (protocadherin related 15; minus strand). Cytogenetic location: 10q21.1.
Variant type: single nucleotide variant.
Coding change: c.527C>T on transcript NM_001384140.1 (MANE Select); coding-DNA position 527, C replaced by T.
Protein change: p.Ala176Val; replaces alanine 176 with valine.
Molecular consequence: missense variant.
Genome position (GRCh38, 1-based): chr10:54,346,432, G>A on the plus strand (C>T on the coding strand, the complement: PCDH15 is on the minus strand). VCF-style: chr10-54346432-G-A. GRCh37 (hg19) VCF-style: chr10-56106192-G-A.
Other names: c.542C>T, p.Ala181Val (NM_001142763.2, NM_001142769.4, NM_001142771.2); c.527C>T, p.Ala176Val (NM_001142764.2, NM_001142765.2, NM_001142766.2 and 8 more transcripts); c.461C>T, p.Ala154Val (NM_001142768.2, NM_001142773.2, NM_001354404.2); short protein forms A154V, A176V, A181V.
Identifiers: ClinVar variation 1410947 (VCV001410947.4), dbSNP rs1379900720, ClinGen allele CA376541729.